The following is an entry in ClinVar:

NM_206933.4(USH2A):c.11665C>G (p.Pro3889Ala)

Gene: USH2A (usherin; minus strand). Cytogenetic location: 1q41.
Variant type: single nucleotide variant.
Coding change: c.11665C>G on transcript NM_206933.4 (MANE Select); coding-DNA position 11665, C replaced by G.
Protein change: p.Pro3889Ala; replaces proline 3889 with alanine.
Molecular consequence: missense variant.
Genome position (GRCh38, 1-based): chr1:215,741,421, G>C on the plus strand (C>G on the coding strand, the complement: USH2A is on the minus strand). VCF-style: chr1-215741421-G-C. GRCh37 (hg19) VCF-style: chr1-215914763-G-C.
Other names: short protein forms P3889A.
Identifiers: ClinVar variation 1001727 (VCV001001727.8), dbSNP rs1660298579, ClinGen allele CA344833403.
Genomic context (GRCh38, chr1:215,741,421, plus strand): 5'-ACAGCCAATCTTACCTGTAAATAAAGTAGTTGATGATGATTCCATTTGGTTTTTCAGGTG[G>C]CATCCACTTAATCTCTATGCAAGCTGACCCCAGTGCCTTAAGAACAGGAGAATTAAGATC-3'
Protein context (NP_996816.3, residues 3879-3899): GSACIEIKWM[Pro3889Ala]PEKPNGIIIN

ClinVar aggregate classification (germline): Uncertain significance (1 of 4 stars; one submission).

Submission:

Labcorp Genetics (formerly Invitae), Labcorp
Classification: Uncertain significance. Last evaluated: 2020-10-24. Review status: criteria provided, single submitter. Criteria: Invitae Variant Classification Sherloc (09022015). Collection method: clinical testing. Allele origin: germline.
Comment: This sequence change replaces proline with alanine at codon 3889 of the USH2A protein (p.Pro3889Ala). The proline residue is highly conserved and there is a small physicochemical difference between proline and alanine. This variant is not present in population databases (ExAC no frequency). This variant has not been reported in the literature in individuals with USH2A-related conditions. Algorithms developed to predict the effect of missense changes on protein structure and function are either unavailable or do not agree on the potential impact of this missense change (SIFT: "Deleterious"; PolyPhen-2: "Benign"; Align-GVGD: "Class C25"). In summary, the available evidence is currently insufficient to determine the role of this variant in disease. Therefore, it has been classified as a Variant of Uncertain Significance.